The following is an entry in ClinVar:

NM_002471.4(MYH6):c.3979-10C>G

Gene: MYH6 (myosin heavy chain 6; minus strand). Cytogenetic location: 14q11.2.
Variant type: single nucleotide variant.
Coding change: c.3979-10C>G on transcript NM_002471.4 (MANE Select); 10 bases into the intron before coding-DNA position 3979, C replaced by G.
Molecular consequence: intron variant.
Genome position (GRCh38, 1-based): chr14:23,389,065, G>C on the plus strand (C>G on the coding strand, the complement: MYH6 is on the minus strand). VCF-style: chr14-23389065-G-C. GRCh37 (hg19) VCF-style: chr14-23858274-G-C.
Identifiers: ClinVar variation 312855 (VCV000312855.15), dbSNP rs28730768, ClinGen allele CA7114976.

ClinVar aggregate classification (germline): Benign/Likely benign. Review status: criteria provided, multiple submitters, no conflicts (2 of 4 stars). 4 submissions from 4 submitters: Benign (1); Likely benign (2). 1 of the submissions does not count toward it. Last evaluated 2025-09-16.

Conditions:
Hypertrophic cardiomyopathy 14. Identifiers: MedGen C2750467, MONDO:0013197, OMIM 613251.
MYH6-related disorder. Also called: MYH6-Related Disorders; MYH6-related condition.

Allele frequency attached by ClinVar (database versions not stated): TOPMed 0.00007; 1000 Genomes Project 0.00060.

Submissions (4):

Labcorp Genetics (formerly Invitae), Labcorp
Classification: Likely benign for Hypertrophic cardiomyopathy 14. Last evaluated: 2025-09-16. Review status: criteria provided, single submitter. Criteria: Invitae Variant Classification Sherloc (09022015). Collection method: clinical testing. Allele origin: germline.

Blueprint Genetics
Classification: Likely benign. Last evaluated: 2023-09-08. Review status: criteria provided, single submitter. Criteria: ACMG Guidelines, 2015. Collection method: clinical testing. Allele origin: germline.

Women's Health and Genetics/Laboratory Corporation of America, LabCorp
Classification: Benign. Last evaluated: 2023-07-17. Review status: criteria provided, single submitter. Criteria: LabCorp Variant Classification Summary - May 2015. Collection method: clinical testing. Allele origin: germline.

PreventionGenetics, part of Exact Sciences
Classification: Likely benign for MYH6-related condition. Last evaluated: 2019-05-22. Review status: no assertion criteria provided. Collection method: clinical testing. Allele origin: germline. Not counted in ClinVar's aggregate classification.
Comment: This variant is classified as likely benign based on ACMG/AMP sequence variant interpretation guidelines (Richards et al. 2015 PMID: 25741868, with internal and published modifications).